The following is an entry in ClinVar:

NM_004055.5(CAPN5):c.1343G>A (p.Ser448Asn)

Gene: CAPN5 (calpain 5; plus strand). Cytogenetic location: 11q13.5.
Variant type: single nucleotide variant.
Coding change: c.1343G>A on transcript NM_004055.5 (MANE Select); coding-DNA position 1343, G replaced by A.
Protein change: p.Ser448Asn; replaces serine 448 with asparagine.
Molecular consequence: missense variant.
Genome position (GRCh38, 1-based): chr11:77,120,765, G>A. VCF-style: chr11-77120765-G-A. GRCh37 (hg19) VCF-style: chr11-76831811-G-A.
Other names: short protein forms S448N.
Identifiers: ClinVar variation 1034910 (VCV001034910.8), dbSNP rs1950513710, ClinGen allele CA381942968.

ClinVar aggregate classification (germline): Uncertain significance (1 of 4 stars; one submission).

Submission:

Labcorp Genetics (formerly Invitae), Labcorp
Classification: Uncertain significance. Last evaluated: 2025-04-21. Review status: criteria provided, single submitter. Criteria: Invitae Variant Classification Sherloc (09022015). Collection method: clinical testing. Allele origin: germline.
Comment: This sequence change replaces serine, which is neutral and polar, with asparagine, which is neutral and polar, at codon 448 of the CAPN5 protein (p.Ser448Asn). This variant is not present in population databases (gnomAD no frequency). This variant has not been reported in the literature in individuals affected with CAPN5-related conditions. ClinVar contains an entry for this variant (Variation ID: 1034910). Invitae Evidence Modeling of protein sequence and biophysical properties (such as structural, functional, and spatial information, amino acid conservation, physicochemical variation, residue mobility, and thermodynamic stability) indicates that this missense variant is not expected to disrupt CAPN5 protein function with a negative predictive value of 80%. In summary, the available evidence is currently insufficient to determine the role of this variant in disease. Therefore, it has been classified as a Variant of Uncertain Significance.